The following is an entry in ClinVar:

ClinVar aggregate classification (germline): Uncertain significance (1 of 4 stars; one submission).

Conditions:
Atrial fibrillation, familial, 7 (ATFB7). Identifiers: MedGen C2677106, MONDO:0012828, OMIM 612240.

Submission:

Labcorp Genetics (formerly Invitae), Labcorp
Classification: Uncertain significance for Atrial fibrillation, familial, 7. Last evaluated: 2024-02-23. Review status: criteria provided, single submitter. Criteria: Invitae Variant Classification Sherloc (09022015). Collection method: clinical testing. Allele origin: germline.
Comment: This sequence change replaces arginine, which is basic and polar, with glycine, which is neutral and non-polar, at codon 400 of the KCNA5 protein (p.Arg400Gly). This variant is not present in population databases (gnomAD no frequency). This variant has not been reported in the literature in individuals affected with KCNA5-related conditions. ClinVar contains an entry for this variant (Variation ID: 1493264). Advanced modeling of protein sequence and biophysical properties (such as structural, functional, and spatial information, amino acid conservation, physicochemical variation, residue mobility, and thermodynamic stability) performed at Invitae indicates that this missense variant is expected to disrupt KCNA5 protein function with a positive predictive value of 80%. In summary, the available evidence is currently insufficient to determine the role of this variant in disease. Therefore, it has been classified as a Variant of Uncertain Significance.

NM_002234.4(KCNA5):c.1198C>G (p.Arg400Gly)

Gene: KCNA5 (potassium voltage-gated channel subfamily A member 5; plus strand). Cytogenetic location: 12p13.32.
Variant type: single nucleotide variant.
Coding change: c.1198C>G on transcript NM_002234.4 (MANE Select); coding-DNA position 1198, C replaced by G.
Protein change: p.Arg400Gly; replaces arginine 400 with glycine.
Molecular consequence: missense variant.
Genome position (GRCh38, 1-based): chr12:5,045,345, C>G. VCF-style: chr12-5045345-C-G. GRCh37 (hg19) VCF-style: chr12-5154511-C-G.
Other names: short protein forms R400G.
Identifiers: ClinVar variation 1493264 (VCV001493264.8), dbSNP rs773432359, ClinGen allele CA383465979.